The following is an entry in ClinVar:

ClinVar aggregate classification (germline): Likely benign. Review status: criteria provided, multiple submitters, no conflicts (2 of 4 stars). 3 submissions from 3 submitters: Likely benign (3). Last evaluated 2023-04-11.

Conditions:
Catecholaminergic polymorphic ventricular tachycardia 2. Also called: CASQ2-Related Catecholaminergic Polymorphic Ventricular Tachycardia; VENTRICULAR TACHYCARDIA, STRESS-INDUCED POLYMORPHIC 2. Identifiers: Orphanet 3286, MedGen C2677794, MONDO:0012762, OMIM 611938.

Allele frequency attached by ClinVar (database versions not stated): gnomAD 0.01266 and 0.01359; 1000 Genomes Project 0.01078; TOPMed 0.01261; gnomAD exomes 0.00280.

Submissions (3):

Genome-Nilou Lab
Classification: Likely benign for Catecholaminergic polymorphic ventricular tachycardia 2. Last evaluated: 2023-04-11. Review status: criteria provided, single submitter. Criteria: ACMG Guidelines, 2015. Collection method: clinical testing. Allele origin: germline. Affected: no.

GeneDx
Classification: Likely benign. Last evaluated: 2019-08-18. Review status: criteria provided, single submitter. Criteria: GeneDx Variant Classification (06012015). Collection method: clinical testing. Allele origin: germline. Affected: yes.

Illumina Laboratory Services, Illumina
Classification: Likely benign for Catecholaminergic polymorphic ventricular tachycardia 2. Last evaluated: 2017-04-27. Review status: criteria provided, single submitter. Criteria: ICSL Variant Classification Criteria 13 December 2019. Collection method: clinical testing. Allele origin: germline.
Comment: This variant was observed as part of a predisposition screen in an ostensibly healthy population. A literature search was performed for the gene, cDNA change, and amino acid change (where applicable). No publications were found based on this search. Allele frequency data from public databases allowed determination this variant is unlikely to cause disease. Therefore, this variant is classified as likely benign.

NM_001232.3(CASQ2):c.-206T>C

Gene: CASQ2 (calsequestrin 2; minus strand). Cytogenetic location: 1p13.1.
Variant type: single nucleotide variant.
Coding change: c.-206T>C on transcript NM_001232.3; 206 bases upstream of the start codon, T replaced by C.
Genome position (GRCh38, 1-based): chr1:115,768,747, A>G on the plus strand (T>C on the coding strand, the complement: CASQ2 is on the minus strand). VCF-style: chr1-115768747-A-G. GRCh37 (hg19) VCF-style: chr1-116311368-A-G.
Identifiers: ClinVar variation 874249 (VCV000874249.7), dbSNP rs112210550, ClinGen allele CA29625453.